The following is an entry in ClinVar:

NM_014639.4(SKIC3):c.1923A>G (p.Ile641Met)

Gene: SKIC3 (SKI3 subunit of superkiller complex; minus strand). Cytogenetic location: 5q15.
Variant type: single nucleotide variant.
Coding change: c.1923A>G on transcript NM_014639.4 (MANE Select); coding-DNA position 1923, A replaced by G.
Protein change: p.Ile641Met; replaces isoleucine 641 with methionine.
Molecular consequence: missense variant.
Genome position (GRCh38, 1-based): chr5:95,522,142, T>C on the plus strand (A>G on the coding strand, the complement: SKIC3 is on the minus strand). VCF-style: chr5-95522142-T-C. GRCh37 (hg19) VCF-style: chr5-94857846-T-C.
Other names: short protein forms I641M.
Identifiers: ClinVar variation 1474225 (VCV001474225.6), dbSNP rs2112331226, ClinGen allele CA360462772.

ClinVar aggregate classification (germline): Uncertain significance (1 of 4 stars; one submission).

Submission:

Labcorp Genetics (formerly Invitae), Labcorp
Classification: Uncertain significance. Last evaluated: 2021-11-17. Review status: criteria provided, single submitter. Criteria: Invitae Variant Classification Sherloc (09022015). Collection method: clinical testing. Allele origin: germline.
Comment: In summary, the available evidence is currently insufficient to determine the role of this variant in disease. Therefore, it has been classified as a Variant of Uncertain Significance. Algorithms developed to predict the effect of missense changes on protein structure and function are either unavailable or do not agree on the potential impact of this missense change (SIFT: "Deleterious"; PolyPhen-2: "Possibly Damaging"; Align-GVGD: "Class C0"). This variant has not been reported in the literature in individuals affected with TTC37-related conditions. This variant is not present in population databases (gnomAD no frequency). This sequence change replaces isoleucine, which is neutral and non-polar, with methionine, which is neutral and non-polar, at codon 641 of the TTC37 protein (p.Ile641Met).